The following is an entry in ClinVar:

ClinVar aggregate classification (germline): Pathogenic (1 of 4 stars; one submission).

Conditions:
Chromosome 16p11.2 duplication syndrome. Identifiers: Orphanet 370079, MedGen C3553407, MONDO:0013847, OMIM 614671.

Submission:

Department of Prenatal Diagnosis, Henan Provincial People’s Hospital
Classification: Pathogenic for Chromosome 16p11.2 duplication syndrome. Last evaluated: 2026-11-25. Review status: criteria provided, single submitter. Criteria: ACMG/ClinGen CNV Guidelines, 2019. Collection method: research. Allele origin: maternal. Affected: yes. Observed: 1 variant allele.
Comment: Based on the "ACMG/ClinGen CNV Guidelines" (2019, PMID: 31690835), this dupliaction encompasses the triplosensitive genomic region-16p11.2 recurrent region (proximal, BP4-BP5) (includes TBX6)，which satisfies the criteria for Evidence Type 2A and is assigned a score of 1. As a result, the observed copy number duplication in this case achieves a cumulative score of ≥0.99, classifying it as a pathogenic copy number variant.

Single allele

Genes: ALDOA (aldolase, fructose-bisphosphate A; plus strand), ASPHD1 (aspartate beta-hydroxylase domain containing 1; plus strand), BOLA2B (bolA family member 2B; minus strand), C16orf54 (chromosome 16 open reading frame 54; minus strand), CDIPT (CDP-diacylglycerol--inositol 3-phosphatidyltransferase; minus strand) and 25 more. Cytogenetic location: 16p11.2.
Variant type: Duplication.
Identifiers: ClinVar variation 5043564 (VCV005043564.1).